The following is an entry in ClinVar:

ClinVar aggregate classification (germline): Uncertain significance (1 of 4 stars; one submission).

Conditions:
Hypertrophic cardiomyopathy 26. Also called: Cardiomyopathy, familial hypertrophic, 26. Identifiers: Orphanet 75249, MedGen C4310749, MONDO:0014883, OMIM 617047.
Myofibrillar myopathy 5. Also called: Filaminopathy (type); FILAMINOPATHY, AUTOSOMAL DOMINANT. Identifiers: Orphanet 171445, MedGen C1836050, MONDO:0012289, OMIM 609524.
Distal myopathy with posterior leg and anterior hand involvement. Also called: WILLIAMS DISTAL MYOPATHY. Identifiers: Orphanet 63273, MedGen C3279722, MONDO:0013550, OMIM 614065.

gnomAD v4.1: 1 of 1,614,022 alleles (0.000062%); highest among the groups gnomAD compares: Non-Finnish European, 0.000085%; no homozygotes.

Submission:

Labcorp Genetics (formerly Invitae), Labcorp
Classification: Uncertain significance for Distal myopathy with posterior leg and anterior hand involvement; Myofibrillar myopathy 5; Hypertrophic cardiomyopathy 26. Last evaluated: 2025-06-02. Review status: criteria provided, single submitter. Criteria: Invitae Variant Classification Sherloc (09022015). Collection method: clinical testing. Allele origin: germline.
Comment: This sequence change replaces isoleucine, which is neutral and non-polar, with threonine, which is neutral and polar, at codon 1590 of the FLNC protein (p.Ile1590Thr). This variant is not present in population databases (gnomAD no frequency). This variant has not been reported in the literature in individuals affected with FLNC-related conditions. Invitae Evidence Modeling of protein sequence and biophysical properties (such as structural, functional, and spatial information, amino acid conservation, physicochemical variation, residue mobility, and thermodynamic stability) has been performed for this missense variant. However, the output from this modeling did not meet the statistical confidence thresholds required to predict the impact of this variant on FLNC protein function. In summary, the available evidence is currently insufficient to determine the role of this variant in disease. Therefore, it has been classified as a Variant of Uncertain Significance.

NM_001458.5(FLNC):c.4769T>C (p.Ile1590Thr)

Gene: FLNC (filamin C; plus strand). Cytogenetic location: 7q32.1.
Variant type: single nucleotide variant.
Coding change: c.4769T>C on transcript NM_001458.5 (MANE Select); coding-DNA position 4769, T replaced by C.
Protein change: p.Ile1590Thr; replaces isoleucine 1590 with threonine.
Molecular consequence: missense variant.
Genome position (GRCh38, 1-based): chr7:128,848,824, T>C. VCF-style: chr7-128848824-T-C. GRCh37 (hg19) VCF-style: chr7-128488878-T-C.
Other names: c.4769T>C, p.Ile1590Thr (NM_001127487.2); short protein forms I1590T.
Identifiers: ClinVar variation 4812424 (VCV004812424.1).